The following is an entry in ClinVar:

ClinVar aggregate classification (germline): Likely pathogenic (1 of 4 stars; one submission).

Conditions:
Neuronal ceroid lipofuscinosis. Also called: Neuronal Ceroid Lipofuscinoses. Identifiers: Orphanet 216, Orphanet 79263, MedGen C0027877, MONDO:0016295. Disease mechanism: loss of function.

Submission:

Labcorp Genetics (formerly Invitae), Labcorp
Classification: Likely pathogenic for Neuronal ceroid lipofuscinosis. Last evaluated: 2024-04-20. Review status: criteria provided, single submitter. Criteria: Invitae Variant Classification Sherloc (09022015). Collection method: clinical testing. Allele origin: germline.
Comment: This sequence change affects an acceptor splice site in intron 1 of the CLN6 gene. It is expected to disrupt RNA splicing. Variants that disrupt the donor or acceptor splice site typically lead to a loss of protein function (PMID: 16199547), and loss-of-function variants in CLN6 are known to be pathogenic (PMID: 19135028). This variant is not present in population databases (gnomAD no frequency). This variant has not been reported in the literature in individuals affected with CLN6-related conditions. Algorithms developed to predict the effect of sequence changes on RNA splicing suggest that this variant may disrupt the consensus splice site. In summary, the currently available evidence indicates that the variant is pathogenic, but additional data are needed to prove that conclusively. Therefore, this variant has been classified as Likely Pathogenic.

Literature cited by the submitters: PubMed 16199547; PubMed 19135028.

NM_017882.3(CLN6):c.84-2A>G

Gene: CLN6 (CLN6 transmembrane ER protein; minus strand). Cytogenetic location: 15q23.
Variant type: single nucleotide variant.
Coding change: c.84-2A>G on transcript NM_017882.3 (MANE Select); the canonical splice acceptor site of the intron before coding-DNA position 84, A replaced by G.
Molecular consequence: splice acceptor variant.
Genome position (GRCh38, 1-based): chr15:68,218,652, T>C on the plus strand (A>G on the coding strand, the complement: CLN6 is on the minus strand). VCF-style: chr15-68218652-T-C. GRCh37 (hg19) VCF-style: chr15-68510990-T-C.
Other names: c.180-2A>G (NM_001411068.1).
Identifiers: ClinVar variation 3650485 (VCV003650485.2).